The following is an entry in ClinVar:

NM_012082.4(ZFPM2):c.3161C>T (p.Pro1054Leu)

Genes: ZFPM2 (zinc finger protein, FOG family member 2; plus strand), ZFPM2-AS1 (ZFPM2 antisense RNA 1; minus strand), LOC126860469 (BRD4-independent group 4 enhancer GRCh37_chr8:106814445-106815644; plus strand). Cytogenetic location: 8q23.1.
Variant type: single nucleotide variant.
Coding change: c.3161C>T on transcript NM_012082.4 (MANE Select); coding-DNA position 3161, C replaced by T.
Protein change: p.Pro1054Leu; replaces proline 1054 with leucine.
Molecular consequence: missense variant.
Genome position (GRCh38, 1-based): chr8:105,803,243, C>T. VCF-style: chr8-105803243-C-T. GRCh37 (hg19) VCF-style: chr8-106815471-C-T.
Other names: c.3002C>T, p.Pro1001Leu (NM_001362836.2); c.2765C>T, p.Pro922Leu (NM_001362837.2); short protein forms P1001L, P1054L, P922L.
Identifiers: ClinVar variation 1040935 (VCV001040935.10), dbSNP rs1814096724, ClinGen allele CA371956710.

ClinVar aggregate classification (germline): Uncertain significance (1 of 4 stars; one submission).

Conditions:
46,XY sex reversal 9 (SRXY9). Also called: 46,XY SEX REVERSAL, ZFPM2-RELATED. Identifiers: Orphanet 251510, MedGen C4015129, MONDO:0014480, OMIM 616067.

Submission:

Labcorp Genetics (formerly Invitae), Labcorp
Classification: Uncertain significance for 46,XY sex reversal 9. Last evaluated: 2022-11-08. Review status: criteria provided, single submitter. Criteria: Invitae Variant Classification Sherloc (09022015). Collection method: clinical testing. Allele origin: germline.
Comment: In summary, the available evidence is currently insufficient to determine the role of this variant in disease. Therefore, it has been classified as a Variant of Uncertain Significance. Algorithms developed to predict the effect of missense changes on protein structure and function are either unavailable or do not agree on the potential impact of this missense change (SIFT: "Deleterious"; PolyPhen-2: "Benign"; Align-GVGD: "Class C0"). ClinVar contains an entry for this variant (Variation ID: 1040935). This variant has not been reported in the literature in individuals affected with ZFPM2-related conditions. This variant is not present in population databases (gnomAD no frequency). This sequence change replaces proline, which is neutral and non-polar, with leucine, which is neutral and non-polar, at codon 1054 of the ZFPM2 protein (p.Pro1054Leu).